The following is an entry in ClinVar:

ClinVar aggregate classification (germline): Uncertain significance (1 of 4 stars; one submission).

Submission:

Labcorp Genetics (formerly Invitae), Labcorp
Classification: Uncertain significance. Last evaluated: 2023-10-13. Review status: criteria provided, single submitter. Criteria: Invitae Variant Classification Sherloc (09022015). Collection method: clinical testing. Allele origin: germline.
Comment: This sequence change creates a premature translational stop signal (p.Asn1107Glnfs*5) in the EIF2AK3 gene. While this is not anticipated to result in nonsense mediated decay, it is expected to disrupt the last 10 amino acid(s) of the EIF2AK3 protein. This variant is present in population databases (no rsID available, gnomAD 0.01%). This variant has not been reported in the literature in individuals affected with EIF2AK3-related conditions. ClinVar contains an entry for this variant (Variation ID: 1393958). Experimental studies and prediction algorithms are not available or were not evaluated, and the functional significance of this variant is currently unknown. In summary, the available evidence is currently insufficient to determine the role of this variant in disease. Therefore, it has been classified as a Variant of Uncertain Significance.

NM_004836.7(EIF2AK3):c.3318dup (p.Asn1107fs)

Genes: EIF2AK3 (eukaryotic translation initiation factor 2 alpha kinase 3; minus strand), EIF2AK3-AS1 (EIF2AK3 antisense RNA 1; plus strand). Cytogenetic location: 2p11.2.
Variant type: Duplication.
Coding change: c.3318dup on transcript NM_004836.7 (MANE Select); coding-DNA position 3318, one base duplicated (C; older notation c.3318dupC).
Protein change: p.Asn1107fs; shifts the reading frame from asparagine 1107.
Molecular consequence: frameshift variant.
Genome position (GRCh38, 1-based): chr2:88,557,769, G duplicated on the plus strand (C on the coding strand, the reverse complement: EIF2AK3 is on the minus strand); the first of 2 consecutive G bases (chr2:88,557,769-88,557,770); duplicating either gives the same sequence. VCF-style (leftmost placement, unchanged base first): chr2-88557768-T-TG. GRCh37 (hg19) VCF-style: chr2-88857286-T-TG.
Other names: c.2865dup, p.Asn956fs (NM_001313915.2); short protein forms N1107fs, N956fs.
Identifiers: ClinVar variation 1393958 (VCV001393958.6), dbSNP rs1219586995, ClinGen allele CA534630163.